The following is an entry in ClinVar:

ClinVar aggregate classification (germline): Uncertain significance (1 of 4 stars; one submission).

Submission:

Labcorp Genetics (formerly Invitae), Labcorp
Classification: Uncertain significance. Last evaluated: 2022-03-15. Review status: criteria provided, single submitter. Criteria: Invitae Variant Classification Sherloc (09022015). Collection method: clinical testing. Allele origin: germline.
Comment: In summary, the available evidence is currently insufficient to determine the role of this variant in disease. Therefore, it has been classified as a Variant of Uncertain Significance. Algorithms developed to predict the effect of missense changes on protein structure and function are either unavailable or do not agree on the potential impact of this missense change (SIFT: "Tolerated"; PolyPhen-2: "Possibly Damaging"; Align-GVGD: "Class C0"). This variant has not been reported in the literature in individuals affected with IARS2-related conditions. This variant is not present in population databases (gnomAD no frequency). This sequence change replaces serine, which is neutral and polar, with cysteine, which is neutral and slightly polar, at codon 580 of the IARS2 protein (p.Ser580Cys).

NM_018060.4(IARS2):c.1739C>G (p.Ser580Cys)

Gene: IARS2 (isoleucyl-tRNA synthetase 2, mitochondrial; plus strand). Cytogenetic location: 1q41.
Variant type: single nucleotide variant.
Coding change: c.1739C>G on transcript NM_018060.4 (MANE Select); coding-DNA position 1739, C replaced by G.
Protein change: p.Ser580Cys; replaces serine 580 with cysteine.
Molecular consequence: missense variant.
Genome position (GRCh38, 1-based): chr1:220,125,335, C>G. VCF-style: chr1-220125335-C-G. GRCh37 (hg19) VCF-style: chr1-220298677-C-G.
Other names: short protein forms S580C.
Identifiers: ClinVar variation 1960520 (VCV001960520.5), dbSNP rs978247237, ClinGen allele CA344639240.
Genomic context (GRCh38, chr1:220,125,335, plus strand): 5'-ACGGCAGTGATATCTGGTGGACTCTTCCCCCTGAACAACTTCTTCCAAAAGAAGTCTTAT[C>G]TGAGGTAAATTTCTGTTTGTATTTAACAGCCTTTGTATGTATTACAGGACTTAATGACAA-3'
Protein context (NP_060530.3, residues 570-590): PEQLLPKEVL[Ser580Cys]EVGGPDALEY